The following is an entry in ClinVar:

ClinVar aggregate classification (germline): Uncertain significance (1 of 4 stars; one submission).

Submission:

Ambry Genetics
Classification: Uncertain significance. Last evaluated: 2026-06-06. Review status: criteria provided, single submitter. Criteria: Ambry Variant Classification Scheme 2023. Collection method: clinical testing. Allele origin: germline.
Comment: The p.A354V variant (also known as c.1061C>T), located in coding exon 3 of the EGLN1 gene, results from a C to T substitution at nucleotide position 1061. The alanine at codon 354 is replaced by valine, an amino acid with similar properties. This amino acid position is conserved. In addition, this alteration is predicted to be tolerated by in silico analysis. Based on the available evidence, the clinical significance of this variant remains unclear.

NM_022051.3(EGLN1):c.1061C>T (p.Ala354Val)

Gene: EGLN1 (egl-9 family hypoxia inducible factor 1; minus strand). Cytogenetic location: 1q42.2.
Variant type: single nucleotide variant.
Coding change: c.1061C>T on transcript NM_022051.3 (MANE Select); coding-DNA position 1061, C replaced by T.
Protein change: p.Ala354Val; replaces alanine 354 with valine.
Molecular consequence: missense variant. On other transcripts: intron variant (1).
Genome position (GRCh38, 1-based): chr1:231,370,649, G>A on the plus strand (C>T on the coding strand, the complement: EGLN1 is on the minus strand). VCF-style: chr1-231370649-G-A. GRCh37 (hg19) VCF-style: chr1-231506395-G-A.
Other names: c.1061C>T, p.Ala354Val (NM_001377260.1); c.1012-3013C>T (NM_001377261.1); short protein forms A354V.
Identifiers: ClinVar variation 4870329 (VCV004870329.1).